The following is an entry in ClinVar:

NM_182476.3(COQ6):c.107A>G (p.Tyr36Cys)

Gene: COQ6 (coenzyme Q6, monooxygenase; plus strand). Cytogenetic location: 14q24.3.
Variant type: single nucleotide variant.
Coding change: c.107A>G on transcript NM_182476.3 (MANE Select); coding-DNA position 107, A replaced by G.
Protein change: p.Tyr36Cys; replaces tyrosine 36 with cysteine.
Molecular consequence: missense variant. On other transcripts: intron variant (1).
Genome position (GRCh38, 1-based): chr14:73,950,439, A>G. VCF-style: chr14-73950439-A-G. GRCh37 (hg19) VCF-style: chr14-74417142-A-G.
Other names: c.88+259A>G (NM_182480.3); short protein forms Y36C.
Identifiers: ClinVar variation 1946708 (VCV001946708.5), dbSNP rs747009401, ClinGen allele CA7264058.

ClinVar aggregate classification (germline): Uncertain significance (1 of 4 stars; one submission).

Allele frequency attached by ClinVar (database versions not stated): gnomAD exomes 0.00001; ExAC 0.00003.

Submission:

Labcorp Genetics (formerly Invitae), Labcorp
Classification: Uncertain significance. Last evaluated: 2022-05-20. Review status: criteria provided, single submitter. Criteria: Invitae Variant Classification Sherloc (09022015). Collection method: clinical testing. Allele origin: germline.
Comment: In summary, the available evidence is currently insufficient to determine the role of this variant in disease. Therefore, it has been classified as a Variant of Uncertain Significance. Algorithms developed to predict the effect of missense changes on protein structure and function are either unavailable or do not agree on the potential impact of this missense change (SIFT: "Deleterious"; PolyPhen-2: "Probably Damaging"; Align-GVGD: "Class C0"). This variant has not been reported in the literature in individuals affected with COQ6-related conditions. This variant is present in population databases (rs747009401, gnomAD 0.002%). This sequence change replaces tyrosine, which is neutral and polar, with cysteine, which is neutral and slightly polar, at codon 36 of the COQ6 protein (p.Tyr36Cys).